The following is an entry in ClinVar:

ClinVar aggregate classification (germline): Pathogenic/Likely pathogenic. Review status: criteria provided, multiple submitters, no conflicts (2 of 4 stars). 2 submissions from 2 submitters: Pathogenic (1); Likely pathogenic (1). Last evaluated 2025-12-22.

Conditions:
Hereditary cancer-predisposing syndrome. Also called: Neoplastic Syndromes, Hereditary; Tumor predisposition; Hereditary Cancer Syndrome; Hereditary neoplastic syndrome. Identifiers: Orphanet 140162, MedGen C0027672, MeSH D009386, MONDO:0015356.
Familial adenomatous polyposis 1 (FAP1). Also called: FAMILIAL ADENOMATOUS POLYPOSIS 1, ATTENUATED; POLYPOSIS, ADENOMATOUS INTESTINAL. Identifiers: MedGen C2713442, MONDO:0021056, OMIM 175100. Disease mechanism: loss of function.

Submissions (2):

Ambry Genetics
Classification: Likely pathogenic for Hereditary cancer-predisposing syndrome. Last evaluated: 2025-12-22. Review status: criteria provided, single submitter. Criteria: Ambry Variant Classification Scheme 2023. Collection method: clinical testing. Allele origin: germline.
Comment: The c.5047_5051delGAATT variant, located in coding exon 15 of the APC gene, results from a deletion of 5 nucleotides at nucleotide positions 5047 to 5051, causing a translational frameshift with a predicted alternate stop codon (p.E1683*). This alteration occurs at the 3' terminus of the gene, is not expected to trigger nonsense-mediated mRNA decay, and impacts the last 41% of the protein. However, premature stop codons are typically deleterious in nature and a significant portion of the protein is affected (Ambry internal data). This variant is considered to be rare based on population cohorts in the Genome Aggregation Database (gnomAD). Based on the majority of available evidence to date, this variant is likely to be pathogenic.

Myriad Genetics, Inc.
Classification: Pathogenic for Familial adenomatous polyposis 1. Last evaluated: 2023-05-12. Review status: criteria provided, single submitter. Criteria: Myriad Autosomal Dominant, Autosomal Recessive and X-Linked Classification Criteria (2023). Collection method: clinical testing. Allele origin: unknown.
Comment: This variant is considered pathogenic. This variant creates a termination codon and is predicted to result in premature protein truncation.

NM_000038.6(APC):c.5047_5051del (p.Gly1682_Glu1683insTer)

Gene: APC (APC regulator of Wnt signaling pathway; plus strand). Cytogenetic location: 5q22.2.
Variant type: Deletion.
Coding change: c.5047_5051del on transcript NM_000038.6 (MANE Select); coding-DNA positions 5047 to 5051, 5 bases deleted (GAATT; older notation c.5047_5051delGAATT).
Protein change: p.Gly1682_Glu1683insTer.
Molecular consequence: nonsense. On other transcripts: non-coding transcript variant (2).
Genome position (GRCh38, 1-based): chr5:112,840,641-112,840,645, GAATT deleted; deleting any 5 consecutive bases within chr5:112,840,640-112,840,645 gives the same sequence; the c. name uses the placement nearest the transcript's 3' end. VCF-style (leftmost placement, unchanged base first): chr5-112840639-GTGAAT-G. GRCh37 (hg19) VCF-style: chr5-112176336-GTGAAT-G.
Other names: c.5047_5051delGAATT (NM_000038.5); c.5047_5051del, p.Gly1682_Glu1683insTer (NM_001127510.3, NM_001354895.2, NM_001407450.1); c.4993_4997del, p.Gly1664_Glu1665insTer (NM_001127511.3); c.5101_5105del, p.Gly1700_Glu1701insTer (NM_001354896.2, NM_001407447.1, NM_001407448.1 and 1 more transcripts); c.5077_5081del, p.Gly1692_Glu1693insTer (NM_001354897.2); c.4972_4976del, p.Gly1657_Glu1658insTer (NM_001354898.2); c.4963_4967del, p.Gly1654_Glu1655insTer (NM_001354899.2); c.4924_4928del, p.Gly1641_Glu1642insTer (NM_001354900.2); and 12 more.
Identifiers: ClinVar variation 2584071 (VCV002584071.3), dbSNP rs2533617073, ClinGen allele CA2582341416.